The following is an entry in ClinVar:

ClinVar aggregate classification (germline): Uncertain significance (1 of 4 stars; one submission).

Conditions:
Developmental and epileptic encephalopathy, 53. Also called: Epileptic encephalopathy, early infantile, 53. Identifiers: MedGen C4479313, MONDO:0033362, OMIM 617389.
Early-onset Parkinson disease 20. Also called: PARKINSON DISEASE 20, AUTOSOMAL RECESSIVE EARLY-ONSET. Identifiers: Orphanet 391411, MedGen C3809824, MONDO:0014233, OMIM 615530.

Allele frequency attached by ClinVar (database versions not stated): TOPMed below 0.00001.

Submission:

Labcorp Genetics (formerly Invitae), Labcorp
Classification: Uncertain significance for Developmental and epileptic encephalopathy, 53; Early-onset Parkinson disease 20. Last evaluated: 2022-02-19. Review status: criteria provided, single submitter. Criteria: Invitae Variant Classification Sherloc (09022015). Collection method: clinical testing. Allele origin: germline.
Comment: This sequence change replaces methionine, which is neutral and non-polar, with isoleucine, which is neutral and non-polar, at codon 1197 of the SYNJ1 protein (p.Met1197Ile). This variant is not present in population databases (gnomAD no frequency). This variant has not been reported in the literature in individuals affected with SYNJ1-related conditions. Algorithms developed to predict the effect of missense changes on protein structure and function output the following: SIFT: "Tolerated"; PolyPhen-2: "Benign"; Align-GVGD: "Class C0". The isoleucine amino acid residue is found in multiple mammalian species, which suggests that this missense change does not adversely affect protein function. In summary, the available evidence is currently insufficient to determine the role of this variant in disease. Therefore, it has been classified as a Variant of Uncertain Significance.

NM_203446.3(SYNJ1):c.3474G>A (p.Met1158Ile)

Gene: SYNJ1 (synaptojanin 1; minus strand). Cytogenetic location: 21q22.11.
Variant type: single nucleotide variant.
Coding change: c.3474G>A on transcript NM_203446.3 (MANE Select); coding-DNA position 3474, G replaced by A.
Protein change: p.Met1158Ile; replaces methionine 1158 with isoleucine.
Molecular consequence: missense variant. On other transcripts: intron variant (2).
Genome position (GRCh38, 1-based): chr21:32,643,414, C>T on the plus strand (G>A on the coding strand, the complement: SYNJ1 is on the minus strand). VCF-style: chr21-32643414-C-T. GRCh37 (hg19) VCF-style: chr21-34015724-C-T.
Other names: c.3591G>A, p.Met1197Ile (NM_003895.4); c.3431-1281G>A (NM_001160302.2); c.3377-1448G>A (NM_001160306.2); short protein forms M1158I, M1197I.
Identifiers: ClinVar variation 2149562 (VCV002149562.1), dbSNP rs2039932154, ClinGen allele CA410066714.